The following is an entry in ClinVar:

NM_000814.6(GABRB3):c.1039G>C (p.Ala347Pro)

Gene: GABRB3 (gamma-aminobutyric acid type A receptor subunit beta3; minus strand). Cytogenetic location: 15q12.
Variant type: single nucleotide variant.
Coding change: c.1039G>C on transcript NM_000814.6 (MANE Select); coding-DNA position 1039, G replaced by C.
Protein change: p.Ala347Pro; replaces alanine 347 with proline.
Molecular consequence: missense variant.
Genome position (GRCh38, 1-based): chr15:26,560,973, C>G on the plus strand (G>C on the coding strand, the complement: GABRB3 is on the minus strand). VCF-style: chr15-26560973-C-G. GRCh37 (hg19) VCF-style: chr15-26806120-C-G.
Other names: c.784G>C, p.Ala262Pro (NM_001191320.2, NM_001278631.2); c.826G>C, p.Ala276Pro (NM_001191321.3); c.1039G>C, p.Ala347Pro (NM_021912.5); short protein forms A347P, A262P, A276P.
Identifiers: ClinVar variation 567268 (VCV000567268.8), dbSNP rs1365439059, ClinGen allele CA391461241.
Genomic context (GRCh38, chr15:26,560,973, plus strand): 5'-AAGGTGGTGGAGAGCCTACCCGGTTGCTTTCGCTCTTTGAACGGTCATTCTTTGCCTTGG[C>G]TGTCTTTTCTGCAAGCTTCTTCTGCCTTTGAGGGCCTCTTCCAAAGAAAATGTAGTTGAC-3'
Protein context (NP_000805.1, residues 337-357): QRQKKLAEKT[Ala347Pro]KAKNDRSKSE

ClinVar aggregate classification (germline): Uncertain significance (1 of 4 stars; one submission).

Conditions:
Epilepsy, childhood absence, susceptibility to, 1. Also called: Epilepsy, childhood absence 1. Identifiers: Orphanet 64280, MedGen C1838604, MONDO:0020759, OMIM 600131.
Epilepsy, childhood absence, susceptibility to, 5. Identifiers: Orphanet 64280, MedGen C2677087, MONDO:0012843, OMIM 612269.

gnomAD v4.1: 1 of 1,614,152 alleles (0.000062%); highest among the groups gnomAD compares: Non-Finnish European, 0.000085%; no homozygotes.

Submission:

Labcorp Genetics (formerly Invitae), Labcorp
Classification: Uncertain significance for Epilepsy, childhood absence, susceptibility to, 5; Epilepsy, childhood absence, susceptibility to, 1. Last evaluated: 2023-04-05. Review status: criteria provided, single submitter. Criteria: Invitae Variant Classification Sherloc (09022015). Collection method: clinical testing. Allele origin: germline.
Comment: This sequence change replaces alanine, which is neutral and non-polar, with proline, which is neutral and non-polar, at codon 347 of the GABRB3 protein (p.Ala347Pro). This variant is not present in population databases (gnomAD no frequency). This variant has not been reported in the literature in individuals affected with GABRB3-related conditions. ClinVar contains an entry for this variant (Variation ID: 567268). Advanced modeling of protein sequence and biophysical properties (such as structural, functional, and spatial information, amino acid conservation, physicochemical variation, residue mobility, and thermodynamic stability) performed at Invitae indicates that this missense variant is not expected to disrupt GABRB3 protein function. In summary, the available evidence is currently insufficient to determine the role of this variant in disease. Therefore, it has been classified as a Variant of Uncertain Significance.